The following is an entry in ClinVar:

NM_005557.4(KRT16):c.1168C>T (p.Arg390Cys)

Gene: KRT16 (keratin 16; minus strand). Cytogenetic location: 17q21.2.
Variant type: single nucleotide variant.
Coding change: c.1168C>T on transcript NM_005557.4 (MANE Select); coding-DNA position 1168, C replaced by T.
Protein change: p.Arg390Cys; replaces arginine 390 with cysteine.
Molecular consequence: missense variant.
Genome position (GRCh38, 1-based): chr17:41,610,443, G>A on the plus strand (C>T on the coding strand, the complement: KRT16 is on the minus strand). VCF-style: chr17-41610443-G-A. GRCh37 (hg19) VCF-style: chr17-39766695-G-A.
Other names: short protein forms R390C.
Identifiers: ClinVar variation 787135 (VCV000787135.37), dbSNP rs141569849, ClinGen allele CA8562978.
Genomic context (GRCh38, chr17:41,610,443, plus strand): 5'-GCCGCGTCTTCACATCCAGCAAGATCTGGTACTCCTGGCTCTGCTGCTCCATCTCACAGC[G>A]TAGCTGGGCCAGCTGCTCCTCCACACTGCCAATCAGTCCCTGGATCTGGGACAGCTGCAT-3'
Protein context (NP_005548.2, residues 380-400): GSVEEQLAQL[Arg390Cys]CEMEQQSQEY

ClinVar aggregate classification (germline): Benign/Likely benign. Review status: criteria provided, multiple submitters, no conflicts (2 of 4 stars). 6 submissions from 6 submitters: Benign (2); Likely benign (3). 1 of the submissions does not count toward it. Last evaluated 2025-10-10.

Conditions:
KRT16-related disorder. Also called: KRT16-related condition.

Allele frequency attached by ClinVar (database versions not stated): TOPMed 0.00169; gnomAD 0.00209 and 0.00219; 1000 Genomes Project 30x 0.00250; gnomAD exomes 0.00271; ExAC 0.00291; 1000 Genomes Project 0.00300.
gnomAD v4.1: 5,020 of 1,612,180 alleles (0.31%); highest among the groups gnomAD compares: Non-Finnish European, 0.34%; 12 homozygotes.

Submissions (6):

Labcorp Genetics (formerly Invitae), Labcorp
Classification: Benign. Last evaluated: 2025-10-10. Review status: criteria provided, single submitter. Criteria: Invitae Variant Classification Sherloc (09022015). Collection method: clinical testing. Allele origin: germline.

Blueprint Genetics
Classification: Likely benign. Last evaluated: 2024-11-13. Review status: criteria provided, single submitter. Criteria: ACMG Guidelines, 2015. Collection method: clinical testing. Allele origin: germline.

CeGaT Center for Human Genetics Tuebingen
Classification: Benign. Last evaluated: 2022-07-01. Review status: criteria provided, single submitter. Criteria: CeGaT Center For Human Genetics Tuebingen Variant Classification Criteria Version 2. Collection method: clinical testing. Allele origin: germline. Affected: yes. Observed: 1 variant allele.
Comment: KRT16: BS1, BS2

GeneDx
Classification: Likely benign. Last evaluated: 2015-03-03. Review status: criteria provided, single submitter. Criteria: GeneDx Variant Classification Process June 2021. Collection method: clinical testing. Allele origin: germline. Affected: yes.

Breakthrough Genomics
Classification: Likely benign. Review status: criteria provided, single submitter. Criteria: ACMG Guidelines, 2015. Collection method: not provided. Allele origin: germline. Inheritance: Autosomal dominant inheritance. Affected: yes.

PreventionGenetics, part of Exact Sciences
Classification: Benign for KRT16-related condition. Last evaluated: 2019-08-20. Review status: no assertion criteria provided. Collection method: clinical testing. Allele origin: germline. Not counted in ClinVar's aggregate classification.
Comment: This variant is classified as benign based on ACMG/AMP sequence variant interpretation guidelines (Richards et al. 2015 PMID: 25741868, with internal and published modifications).